The following is an entry in ClinVar:

NM_000441.2(SLC26A4):c.1766A>C (p.Gln589Pro)

Gene: SLC26A4 (solute carrier family 26 member 4; plus strand). Cytogenetic location: 7q22.3.
Variant type: single nucleotide variant.
Coding change: c.1766A>C on transcript NM_000441.2 (MANE Select); coding-DNA position 1766, A replaced by C.
Protein change: p.Gln589Pro; replaces glutamine 589 with proline.
Molecular consequence: missense variant.
Genome position (GRCh38, 1-based): chr7:107,701,159, A>C. VCF-style: chr7-107701159-A-C. GRCh37 (hg19) VCF-style: chr7-107341604-A-C.
Other names: short protein forms Q589P.
Identifiers: ClinVar variation 43523 (VCV000043523.38), dbSNP rs397516422, ClinGen allele CA132677.

ClinVar aggregate classification (germline): Uncertain significance. Review status: criteria provided, multiple submitters, no conflicts (2 of 4 stars). 6 submissions from 6 submitters: Uncertain significance (4). 2 of the submissions do not count toward it. Last evaluated 2024-05-29.

Conditions:
Pendred syndrome (PDS). Also called: Pendred's syndrome; DEAFNESS WITH GOITER; GOITER-DEAFNESS SYNDROME; HYPOTHYROIDISM, CONGENITAL, DUE TO DYSHORMONOGENESIS, 2B; THYROID DYSHORMONOGENESIS 2B; THYROID HORMONOGENESIS, GENETIC DEFECT IN, 2B. Identifiers: Orphanet 705, MedGen C0271829, MONDO:0010134, OMIM 274600.

Allele frequency attached by ClinVar (database versions not stated): gnomAD 0.00001; gnomAD exomes 0.00001.
gnomAD v4.1: 20 of 1,609,892 alleles (0.0012%); highest among the groups gnomAD compares: Non-Finnish European, 0.0017%; no homozygotes.

Submissions (6):

Labcorp Genetics (formerly Invitae), Labcorp
Classification: Uncertain significance. Last evaluated: 2024-05-29. Review status: criteria provided, single submitter. Criteria: Invitae Variant Classification Sherloc (09022015). Collection method: clinical testing. Allele origin: germline.
Comment: This sequence change replaces glutamine, which is neutral and polar, with proline, which is neutral and non-polar, at codon 589 of the SLC26A4 protein (p.Gln589Pro). This variant is present in population databases (rs397516422, gnomAD 0.003%). This missense change has been observed in individual(s) with deafness (PMID: 32860223). ClinVar contains an entry for this variant (Variation ID: 43523). Advanced modeling of protein sequence and biophysical properties (such as structural, functional, and spatial information, amino acid conservation, physicochemical variation, residue mobility, and thermodynamic stability) has been performed at Invitae for this missense variant, however the output from this modeling did not meet the statistical confidence thresholds required to predict the impact of this variant on SLC26A4 protein function. In summary, the available evidence is currently insufficient to determine the role of this variant in disease. Therefore, it has been classified as a Variant of Uncertain Significance.

Blueprint Genetics
Classification: Uncertain significance. Last evaluated: 2023-02-24. Review status: criteria provided, single submitter. Criteria: ACMG Guidelines, 2015. Collection method: clinical testing. Allele origin: germline.

CeGaT Center for Human Genetics Tuebingen
Classification: Uncertain significance. Last evaluated: 2023-02-01. Review status: criteria provided, single submitter. Criteria: CeGaT Center For Human Genetics Tuebingen Variant Classification Criteria Version 2. Collection method: clinical testing. Allele origin: germline. Affected: yes. Observed: 1 variant allele.
Comment: SLC26A4: PM2

Laboratory for Molecular Medicine, Mass General Brigham Personalized Medicine
Classification: Uncertain significance. Last evaluated: 2013-02-05. Review status: criteria provided, single submitter. Criteria: LMM Criteria. Collection method: clinical testing. Allele origin: germline. Observed: 1 variant allele.
Comment: The Gln589Pro variant in SLC26A4 has not been reported in the literature nor pre viously identified by our laboratory. In addition, this variant has not been ide ntified in large and broad ethnically-matched populations by NHLBI Exome Sequenc ing Project. Computational analyses (biochemi cal amino acid properties, conservation, AlignGVGD, PolyPhen2, and SIFT) do not provide strong support for or against an impact to the protein. In summary, addi tional information is needed to fully assess the clinical significance of the Gl n589Pro variant.

Natera, Inc.
Classification: Uncertain significance for Pendred syndrome. Last evaluated: 2019-11-11. Review status: no assertion criteria provided. Collection method: clinical testing. Allele origin: germline. Not counted in ClinVar's aggregate classification.

Department of Pathology and Laboratory Medicine, Sinai Health System
Classification: Uncertain significance. Review status: no assertion criteria provided. Collection method: clinical testing. Allele origin: unknown. Affected: yes. Study: The Canadian Open Genetics Repository (COGR). Not counted in ClinVar's aggregate classification.
Comment: The SLC26A4 p.Gln589Pro variant was not identified in the literature nor was it identified in Cosmic or LOVD 3.0. The variant was identified in dbSNP (ID: rs397516422) and in ClinVar (classified as a VUS by Laboratory for Molecular Medicine). The variant was also identified in control databases in 4 of 282558 chromosomes at a frequency of 0.000014 (Genome Aggregation Database Feb 27, 2017). The variant was observed in the following population: European (non-Finnish) in 4 of 128944 chromosomes (freq: 0.000031), while the variant was not observed in the African, Latino, Ashkenazi Jewish, East Asian, European (Finnish), Other, and South Asian populations. The p.Gln589 residue is conserved in mammals and computational analyses (PolyPhen-2, SIFT, AlignGVGD, BLOSUM, MutationTaster) provide inconsistent predictions regarding the impact to the protein; this information is not very predictive of pathogenicity. The variant occurs outside of the splicing consensus sequence and in silico or computational prediction software programs (SpliceSiteFinder, MaxEntScan, NNSPLICE, GeneSplicer) do not predict a difference in splicing. In summary, based on the above information the clinical significance of this variant cannot be determined with certainty at this time. This variant is classified as a variant of uncertain significance.

Literature cited by the submitters: PubMed 32860223 (cited by Labcorp Genetics (formerly Invitae), Labcorp).